The following is an entry in ClinVar:

ClinVar aggregate classification (germline): Uncertain significance (1 of 4 stars; one submission).

Conditions:
Compton-North congenital myopathy (CMYO12). Identifiers: Orphanet 210163, MedGen C2675527, MONDO:0012929, OMIM 612540.

Allele frequency attached by ClinVar (database versions not stated): gnomAD exomes below 0.00001.
gnomAD v4.1: 2 of 1,613,978 alleles (0.00012%); highest among the groups gnomAD compares: South Asian, 0.0022%; no homozygotes.

Submission:

Labcorp Genetics (formerly Invitae), Labcorp
Classification: Uncertain significance for Compton-North congenital myopathy. Last evaluated: 2021-11-10. Review status: criteria provided, single submitter. Criteria: Invitae Variant Classification Sherloc (09022015). Collection method: clinical testing. Allele origin: germline.
Comment: This sequence change replaces serine, which is neutral and polar, with glycine, which is neutral and non-polar, at codon 88 of the CNTN1 protein (p.Ser88Gly). This variant is not present in population databases (gnomAD no frequency). This variant has not been reported in the literature in individuals affected with CNTN1-related conditions. Advanced modeling of protein sequence and biophysical properties (such as structural, functional, and spatial information, amino acid conservation, physicochemical variation, residue mobility, and thermodynamic stability) performed at Invitae indicates that this missense variant is not expected to disrupt CNTN1 protein function. Algorithms developed to predict the effect of sequence changes on RNA splicing suggest that this variant may create or strengthen a splice site. In summary, the available evidence is currently insufficient to determine the role of this variant in disease. Therefore, it has been classified as a Variant of Uncertain Significance.

NM_001843.4(CNTN1):c.262A>G (p.Ser88Gly)

Gene: CNTN1 (contactin 1; plus strand). Cytogenetic location: 12q12.
Variant type: single nucleotide variant.
Coding change: c.262A>G on transcript NM_001843.4 (MANE Select); coding-DNA position 262, A replaced by G.
Protein change: p.Ser88Gly; replaces serine 88 with glycine.
Molecular consequence: missense variant.
Genome position (GRCh38, 1-based): chr12:40,922,290, A>G. VCF-style: chr12-40922290-A-G. GRCh37 (hg19) VCF-style: chr12-41316092-A-G.
Other names: c.262A>G, p.Ser88Gly (NM_001256063.2, NM_001256064.2); c.229A>G, p.Ser77Gly (NM_175038.2); short protein forms S77G, S88G.
Identifiers: ClinVar variation 1445185 (VCV001445185.6), dbSNP rs1945470430, ClinGen allele CA384421906.